The following is an entry in ClinVar:

ClinVar aggregate classification (germline): Pathogenic (1 of 4 stars; one submission).

Conditions:
Congenital myotonia, autosomal dominant form (THD). Also called: THOMSEN DISEASE; Myotonia congenita autosomal dominant. Identifiers: Orphanet 614, MedGen C2936781, MONDO:0008055, OMIM 160800.
Congenital myotonia, autosomal recessive form. Also called: Becker Generalized Myotonia; myotonia congenita, autosomal recessive; BECKER DISEASE. Identifiers: Orphanet 614, MedGen C0751360, MONDO:0009715, OMIM 255700.

Submission:

Labcorp Genetics (formerly Invitae), Labcorp
Classification: Pathogenic for Congenital myotonia, autosomal recessive form; Congenital myotonia, autosomal dominant form. Last evaluated: 2024-01-16. Review status: criteria provided, single submitter. Criteria: Invitae Variant Classification Sherloc (09022015). Collection method: clinical testing. Allele origin: germline.
Comment: This sequence change creates a premature translational stop signal (p.Gln827*) in the CLCN1 gene. It is expected to result in an absent or disrupted protein product. Loss-of-function variants in CLCN1 are known to be pathogenic (PMID: 17932099, 22094069, 23739125). This variant is present in population databases (rs756637229, gnomAD 0.0009%). This variant has not been reported in the literature in individuals affected with CLCN1-related conditions. For these reasons, this variant has been classified as Pathogenic.

Literature cited by the submitters: PubMed 17932099; PubMed 22094069; PubMed 23739125.

NM_000083.3(CLCN1):c.2479C>T (p.Gln827Ter)

Gene: CLCN1 (chloride voltage-gated channel 1; plus strand). Cytogenetic location: 7q34.
Variant type: single nucleotide variant.
Coding change: c.2479C>T on transcript NM_000083.3 (MANE Select); coding-DNA position 2479, C replaced by T.
Protein change: p.Gln827Ter; replaces glutamine 827 with a stop codon.
Molecular consequence: nonsense. On other transcripts: non-coding transcript variant (1).
Genome position (GRCh38, 1-based): chr7:143,350,447, C>T. VCF-style: chr7-143350447-C-T. GRCh37 (hg19) VCF-style: chr7-143047540-C-T.
Other names: short protein forms Q827*.
Identifiers: ClinVar variation 3752072 (VCV003752072.2).